The following is an entry in ClinVar:

ClinVar aggregate classification (germline): Benign. Review status: criteria provided, multiple submitters, no conflicts (2 of 4 stars). 2 submissions from 2 submitters: Benign (2). Last evaluated 2018-06-19.

Allele frequency attached by ClinVar (database versions not stated): gnomAD 0.33917 and 0.33633; TOPMed 0.34566; 1000 Genomes Project 30x 0.40147; 1000 Genomes Project 0.40415.
gnomAD v4.1: 452,150 of 1,448,608 alleles (31%); highest among the groups gnomAD compares: East Asian, 60%; 73,559 homozygotes.

Submissions (2):

GeneDx
Classification: Benign. Last evaluated: 2018-06-19. Review status: criteria provided, single submitter. Criteria: GeneDx Variant Classification (06012015). Collection method: clinical testing. Allele origin: germline. Affected: yes.
Comment: This variant is considered likely benign or benign based on one or more of the following criteria: it is a conservative change, it occurs at a poorly conserved position in the protein, it is predicted to be benign by multiple in silico algorithms, and/or has population frequency not consistent with disease.

Breakthrough Genomics
Classification: Benign. Review status: criteria provided, single submitter. Criteria: ACMG Guidelines, 2015. Collection method: not provided. Allele origin: germline. Inheritance: Autosomal recessive inheritance. Affected: yes.

NM_000512.5(GALNS):c.1139+97G>C

Gene: GALNS (galactosamine (N-acetyl)-6-sulfatase; minus strand). Cytogenetic location: 16q24.3.
Variant type: single nucleotide variant.
Coding change: c.1139+97G>C on transcript NM_000512.5 (MANE Select); 97 bases into the intron after coding-DNA position 1139, G replaced by C.
Molecular consequence: intron variant.
Genome position (GRCh38, 1-based): chr16:88,826,605, C>G on the plus strand (G>C on the coding strand, the complement: GALNS is on the minus strand). VCF-style: chr16-88826605-C-G. GRCh37 (hg19) VCF-style: chr16-88893013-C-G.
Other names: c.584+97G>C (NM_001323543.2); c.1157+97G>C (NM_001323544.2).
Identifiers: ClinVar variation 684029 (VCV000684029.2), dbSNP rs3859024, ClinGen allele CA16532422.